The following is an entry in ClinVar:

ClinVar aggregate classification (germline): Uncertain significance (1 of 4 stars; one submission).

Conditions:
Eichsfeld type congenital muscular dystrophy (CMYO3). Also called: MYOPATHY, SEPN1-RELATED; Rigid spine muscular dystrophy 1; SELENON-related myopathy; Congenital myopathy 3 with rigid spine. Identifiers: MedGen C0410180, MONDO:0100100, OMIM 602771.

gnomAD v4.1: 4 of 1,614,162 alleles (0.00025%); highest among the groups gnomAD compares: Non-Finnish European, 0.00017%; no homozygotes.

Submission:

3billion
Classification: Uncertain significance for Eichsfeld type congenital muscular dystrophy. Last evaluated: 2025-06-19. Review status: criteria provided, single submitter. Criteria: ACMG Guidelines, 2015. Collection method: clinical testing. Allele origin: germline. Affected: yes.
Comment: The variant is observed at an extremely low frequency in the gnomAD v4.1.0 dataset (total allele frequency: <0.001%). Predicted Consequence/Location: Missense variant. The majority of the known disease-causing variants of this gene are variants expected to result in premature termination of the protein. In silico tool predictions suggest damaging effect of the variant on gene or gene product [REVEL: 0.77 (>=0.6, sensitivity 0.68 and specificity 0.92); 3Cnet: 0.85 (> 0.75, sensitivity 0.96 and precision 0.92)]. Therefore, this variant is classified as VUS according to the recommendation of ACMG/AMP guideline.

NM_206926.2(SELENON):c.1463C>T (p.Pro488Leu)

Gene: SELENON (selenoprotein N; plus strand). Cytogenetic location: 1p36.11.
Variant type: single nucleotide variant.
Coding change: c.1463C>T on transcript NM_206926.2 (MANE Select); coding-DNA position 1463, C replaced by T.
Protein change: p.Pro488Leu; replaces proline 488 with leucine.
Molecular consequence: missense variant.
Genome position (GRCh38, 1-based): chr1:25,814,141, C>T. VCF-style: chr1-25814141-C-T. GRCh37 (hg19) VCF-style: chr1-26140632-C-T.
Other names: c.1565C>T, p.Pro522Leu (NM_020451.3); short protein forms P488L, P522L.
Identifiers: ClinVar variation 4854202 (VCV004854202.1).
Genomic context (GRCh38, chr1:25,814,141, plus strand): 5'-ACCAGGAGAACTCGTCCCACCAGAAGCTGGCTGGCCTGCACCTGGAGAAGTACAGCTTCC[C>T]CGTGGAGATGATGATCTGCCTGCCCAATGGCACCGTGGTAGGCACCCCCACTCAGACCCC-3'
Protein context (NP_996809.1, residues 478-498): AGLHLEKYSF[Pro488Leu]VEMMICLPNG